The following is an entry in ClinVar:

ClinVar aggregate classification (germline): Likely benign. Review status: criteria provided, single submitter (1 of 4 stars). 2 submissions from 2 submitters: Likely benign (1). 1 of the submissions does not count toward it. Last evaluated 2022-01-13.

Conditions:
TRPV3-related disorder. Also called: TRPV3-related condition.

Allele frequency attached by ClinVar (database versions not stated): gnomAD exomes 0.00004 and 0.00012; gnomAD 0.00009 and 0.00011; ExAC 0.00011; TOPMed 0.00013; ESP Exome Variant Server 0.00015.
gnomAD v4.1: 70 of 1,613,814 alleles (0.0043%); highest among the groups gnomAD compares: Admixed American, 0.05%; no homozygotes.

Submissions (2):

Labcorp Genetics (formerly Invitae), Labcorp
Classification: Likely benign. Last evaluated: 2022-01-13. Review status: criteria provided, single submitter. Criteria: Invitae Variant Classification Sherloc (09022015). Collection method: clinical testing. Allele origin: germline.

PreventionGenetics, part of Exact Sciences
Classification: Likely benign for TRPV3-related condition. Last evaluated: 2019-06-05. Review status: no assertion criteria provided. Collection method: clinical testing. Allele origin: germline. Not counted in ClinVar's aggregate classification.
Comment: This variant is classified as likely benign based on ACMG/AMP sequence variant interpretation guidelines (Richards et al. 2015 PMID: 25741868, with internal and published modifications).

NM_145068.4(TRPV3):c.183T>C (p.Pro61=)

Gene: TRPV3 (transient receptor potential cation channel subfamily V member 3; minus strand). Cytogenetic location: 17p13.2.
Variant type: single nucleotide variant.
Coding change: c.183T>C on transcript NM_145068.4 (MANE Select); coding-DNA position 183, T replaced by C.
Protein change: p.Pro61=; no amino-acid change (proline 61 retained).
Molecular consequence: synonymous variant.
Genome position (GRCh38, 1-based): chr17:3,545,208, A>G on the plus strand (T>C on the coding strand, the complement: TRPV3 is on the minus strand). VCF-style: chr17-3545208-A-G. GRCh37 (hg19) VCF-style: chr17-3448502-A-G.
Other names: c.183T>C (NM_145068.3); c.183T>C, p.Pro61= (NM_001258205.2).
Identifiers: ClinVar variation 1540858 (VCV001540858.10), dbSNP rs151021061, ClinGen allele CA8289957.